The following is an entry in ClinVar:

NM_001563.4(IMPG1):c.1962C>T (p.His654=)

Gene: IMPG1 (interphotoreceptor matrix proteoglycan 1; minus strand). Cytogenetic location: 6q14.1.
Variant type: single nucleotide variant.
Coding change: c.1962C>T on transcript NM_001563.4 (MANE Select); coding-DNA position 1962, C replaced by T.
Protein change: p.His654=; no amino-acid change (histidine 654 retained).
Molecular consequence: synonymous variant.
Genome position (GRCh38, 1-based): chr6:75,947,396, G>A on the plus strand (C>T on the coding strand, the complement: IMPG1 is on the minus strand). VCF-style: chr6-75947396-G-A. GRCh37 (hg19) VCF-style: chr6-76657113-G-A.
Other names: c.1728C>T, p.His576= (NM_001282368.2).
Identifiers: ClinVar variation 3043233 (VCV003043233.3), dbSNP rs754657889, ClinGen allele CA3897993.
Genomic context (GRCh38, chr6:75,947,396, plus strand): 5'-GCTGTCTATTTCCAGATGGAGTTGTTGGGCTGCAGCAGAACGAAAATCCTCCAAGACCCC[G>A]TGCACAGCCTTGGTGAGGTTATACGGCACTGACTTAGCAAACTTCATTTTGCTATTCACA-3'
Protein context (NP_001554.2, residues 644-664): SVPYNLTKAV[His654=]GVLEDFRSAA

ClinVar aggregate classification (germline): Likely benign. Review status: criteria provided, single submitter (1 of 4 stars). 2 submissions from 2 submitters: Likely benign (1). 1 of the submissions does not count toward it. Last evaluated 2021-07-13.

Conditions:
IMPG1-related disorder. Also called: IMPG1-related condition.

Allele frequency attached by ClinVar (database versions not stated): gnomAD 0.00001; gnomAD exomes 0.00001; TOPMed 0.00001; ExAC 0.00002.
gnomAD v4.1: 21 of 1,613,764 alleles (0.0013%); highest among the groups gnomAD compares: South Asian, 0.013%; no homozygotes.

Submissions (2):

Blueprint Genetics
Classification: Likely benign. Last evaluated: 2021-07-13. Review status: criteria provided, single submitter. Criteria: ACMG Guidelines, 2015. Collection method: clinical testing. Allele origin: germline.

PreventionGenetics, part of Exact Sciences
Classification: Likely benign for IMPG1-related condition. Last evaluated: 2019-06-26. Review status: no assertion criteria provided. Collection method: clinical testing. Allele origin: germline. Not counted in ClinVar's aggregate classification.
Comment: This variant is classified as likely benign based on ACMG/AMP sequence variant interpretation guidelines (Richards et al. 2015 PMID: 25741868, with internal and published modifications).